The following is an entry in ClinVar:

NM_001348800.3(ZBTB20):c.1941C>T (p.Ser647=)

Gene: ZBTB20 (zinc finger and BTB domain containing 20; minus strand). Cytogenetic location: 3q13.31.
Variant type: single nucleotide variant.
Coding change: c.1941C>T on transcript NM_001348800.3 (MANE Select); coding-DNA position 1941, C replaced by T.
Protein change: p.Ser647=; no amino-acid change (serine 647 retained).
Molecular consequence: synonymous variant. On other transcripts: non-coding transcript variant (1).
Genome position (GRCh38, 1-based): chr3:114,339,290, G>A on the plus strand (C>T on the coding strand, the complement: ZBTB20 is on the minus strand). VCF-style: chr3-114339290-G-A. GRCh37 (hg19) VCF-style: chr3-114058137-G-A.
Other names: c.1941C>T, p.Ser647= (NM_001164342.2, NM_001348803.3, NM_001393393.1 and 1 more transcripts); c.1722C>T, p.Ser574= (NM_001164343.2, NM_001164344.4, NM_001164345.4 and 9 more transcripts).
Identifiers: ClinVar variation 3905010 (VCV003905010.10).

ClinVar aggregate classification (germline): Likely benign (1 of 4 stars; one submission).

Submission:

CeGaT Center for Human Genetics Tuebingen
Classification: Likely benign. Last evaluated: 2025-05-01. Review status: criteria provided, single submitter. Criteria: CeGaT Center For Human Genetics Tuebingen Variant Classification Criteria Version 2. Collection method: clinical testing. Allele origin: germline. Affected: yes. Observed: 1 variant allele.
Comment: ZBTB20: PM2:Supporting, BP4, BP7